The following is an entry in ClinVar:

ClinVar aggregate classification (germline): Likely benign. Review status: criteria provided, multiple submitters, no conflicts (2 of 4 stars). 2 submissions from 2 submitters: Likely benign (2). Last evaluated 2026-09-22.

Conditions:
Neurofibromatosis, type 1 (NF1). Also called: VON RECKLINGHAUSEN DISEASE; NEUROFIBROMATOSIS, TYPE I, SOMATIC; Peripheral type neurofibromatosis; Neurofibromatosis, type I. Identifiers: Orphanet 636, MedGen C0027831, MONDO:0018975, OMIM 162200. Disease mechanism: loss of function.

Submissions (2):

Myriad Genetics, Inc.
Classification: Likely benign for Neurofibromatosis, type 1. Last evaluated: 2026-09-22. Review status: criteria provided, single submitter. Criteria: Myriad Autosomal Dominant, Autosomal Recessive and X-Linked Classification Criteria (2023). Collection method: clinical testing. Allele origin: unknown.
Comment: This variant is considered likely benign. This variant is intronic and is not expected to impact mRNA splicing.

Labcorp Genetics (formerly Invitae), Labcorp
Classification: Likely benign for Neurofibromatosis, type 1. Last evaluated: 2023-05-02. Review status: criteria provided, single submitter. Criteria: Invitae Variant Classification Sherloc (09022015). Collection method: clinical testing. Allele origin: germline.

NM_001042492.3(NF1):c.8378-20G>A

Gene: NF1 (neurofibromin 1; plus strand). Cytogenetic location: 17q11.2.
Variant type: single nucleotide variant.
Coding change: c.8378-20G>A on transcript NM_001042492.3 (MANE Select); 20 bases into the intron before coding-DNA position 8378, G replaced by A.
Molecular consequence: intron variant.
Genome position (GRCh38, 1-based): chr17:31,373,993, G>A. VCF-style: chr17-31373993-G-A. GRCh37 (hg19) VCF-style: chr17-29701011-G-A.
Other names: c.8315-20G>A (NM_000267.4).
Identifiers: ClinVar variation 2883566 (VCV002883566.4), dbSNP rs2151601130, ClinGen allele CA2576223976.
Genomic context (GRCh38, chr17:31,373,993, plus strand): 5'-TGTTAAGCGACACATGACTGCAATGAAATTCAGTCCTGGAAGGAAAAGAAGAAGTAACTG[G>A]CTGTTCTCTTTTTCTCCAGGAATCGACAAGGAGAACGTTGAACTCTCCCCTACCACTGGC-3'